The following is an entry in ClinVar:

ClinVar aggregate classification (germline): Pathogenic. Review status: criteria provided, multiple submitters, no conflicts (2 of 4 stars). 4 submissions from 4 submitters: Pathogenic (3). 1 of the submissions does not count toward it. Last evaluated 2020-01-19.

Conditions:
Dystrophin deficiency.
Duchenne muscular dystrophy (DMD). Also called: Duchenne Muscular Dystrophy (DMD); MUSCULAR DYSTROPHY, PSEUDOHYPERTROPHIC PROGRESSIVE, DUCHENNE TYPE. Identifiers: Orphanet 98896, MedGen C0013264, MONDO:0010679, OMIM 310200.

Submissions (4):

Labcorp Genetics (formerly Invitae), Labcorp
Classification: Pathogenic for Duchenne muscular dystrophy. Last evaluated: 2020-01-19. Review status: criteria provided, single submitter. Criteria: Invitae Variant Classification Sherloc (09022015). Collection method: clinical testing. Allele origin: germline.
Comment: For these reasons, this variant has been classified as Pathogenic. Loss-of-function variants in DMD are known to be pathogenic (PMID: 16770791, 25007885). This nonsense change has been observed in individual(s) with Duchenne or Becker muscular dystrophy (PMID: 11524473, 27593222, 30559667, 20485447). ClinVar contains an entry for this variant (Variation ID: 94634). This variant is not present in population databases (ExAC no frequency). This sequence change creates a premature translational stop signal (p.Lys1516*) in the DMD gene. It is expected to result in an absent or disrupted protein product.

GeneDx
Classification: Pathogenic. Last evaluated: 2017-04-27. Review status: criteria provided, single submitter. Criteria: GeneDx Variant Classification (06012015). Collection method: clinical testing. Allele origin: germline. Affected: yes.
Comment: The c.4545_4549delGAAGT variant in the DMD gene has been reported in one patient with DMD (variant reportedusing alternative nomenclature: c.4753delGAAGT; p.V1515fs), though, no patient-specific clinical data weredescribed (Mendell et al., 2001). The c.4545_4549delGAAGT variant results in the deletion of five base pairs andleads to the replacement of lysine with a premature stop codon at position 1516, denoted p.Lys1516Ter or K1516X.This variant is expected to result in either an abnormal, truncated protein product or loss of protein from this allelethrough nonsense-mediated mRNA decay. Moreover, other downstream frameshift variants in the DMD gene havebeen reported in Human Gene Mutation Database in association with DMD/BMD (Stenson et al., 2014), indicatingthat loss of function is a mechanism of disease for this gene. Furthermore, the c.4545_4549delGAAGT variant has notbeen observed in large population cohorts (Lek et al., 2016; 1000 Genomes Consortium et al., 2015; Exome VariantServer).

Eurofins Ntd Llc (ga)
Classification: Pathogenic. Last evaluated: 2015-05-28. Review status: criteria provided, single submitter. Criteria: EGL Classification Definitions 2015. Collection method: clinical testing. Allele origin: germline. Observed: 5 variant alleles, 3 heterozygotes, 1 homozygote, 1 hemizygote.

Natera, Inc.
Classification: Pathogenic for Dystrophin deficiency. Last evaluated: 2020-09-16. Review status: no assertion criteria provided. Collection method: clinical testing. Allele origin: germline. Not counted in ClinVar's aggregate classification.

Literature cited by the submitters: PubMed 16770791 (cited by Labcorp Genetics (formerly Invitae), Labcorp); PubMed 25007885 (cited by Labcorp Genetics (formerly Invitae), Labcorp); PubMed 11524473 (cited by Labcorp Genetics (formerly Invitae), Labcorp); PubMed 27593222 (cited by Labcorp Genetics (formerly Invitae), Labcorp); PubMed 30559667 (cited by Labcorp Genetics (formerly Invitae), Labcorp); PubMed 20485447 (cited by Labcorp Genetics (formerly Invitae), Labcorp).

NM_004006.3(DMD):c.4545_4549del (p.Val1515_Lys1516insTer)

Gene: DMD (dystrophin; minus strand). Cytogenetic location: Xp21.1.
Variant type: Microsatellite.
Coding change: c.4545_4549del on transcript NM_004006.3 (MANE Select); coding-DNA positions 4545 to 4549, 5 bases deleted (GAAGT; older notation c.4545_4549delGAAGT).
Protein change: p.Val1515_Lys1516insTer.
Molecular consequence: frameshift variant.
Genome position (GRCh38, 1-based): chrX:32,386,435-32,386,439, ACTTC deleted on the plus strand (GAAGT on the coding strand, the reverse complement: DMD is on the minus strand); deleting any 5 consecutive bases within chrX:32,386,435-32,386,447 gives the same sequence; the c. name uses the placement nearest the transcript's 3' end. VCF-style (leftmost placement, unchanged base first): chrX-32386434-GACTTC-G. GRCh37 (hg19) VCF-style: chrX-32404551-GACTTC-G.
Other names: c.4545_4549delGAAGT (NM_004006.2); c.4521_4525del, p.Val1507_Lys1508insTer (NM_000109.4); c.4533_4537del, p.Val1511_Lys1512insTer (NM_004009.3); c.4176_4180del, p.Val1392_Lys1393insTer (NM_004010.3); c.522_526del, p.Val174_Lys175insTer (NM_004011.4); c.513_517del, p.Val171_Lys172insTer (NM_004012.4).
Identifiers: ClinVar variation 94634 (VCV000094634.16), dbSNP rs398123962, ClinGen allele CA267033.
Genomic context (GRCh38, chrX:32,386,434, plus strand): 5'-TTTTCCGTCTGCTTTTTCTGTACAATCTGACGTCCAGTCTTTATCACCATTTCCACTTCA[GACTTC>G]ACTTCACTCAGACTTTTATACAAGTTCTAAGTTTAAACATAAAACAAAACATGATAATCA-3'